The following is an entry in ClinVar:

NM_002473.6(MYH9):c.5204A>C (p.Glu1735Ala)

Gene: MYH9 (myosin heavy chain 9; minus strand). Cytogenetic location: 22q12.3.
Variant type: single nucleotide variant.
Coding change: c.5204A>C on transcript NM_002473.6 (MANE Select); coding-DNA position 5204, A replaced by C.
Protein change: p.Glu1735Ala; replaces glutamic acid 1735 with alanine.
Molecular consequence: missense variant.
Genome position (GRCh38, 1-based): chr22:36,285,728, T>G on the plus strand (A>C on the coding strand, the complement: MYH9 is on the minus strand). VCF-style: chr22-36285728-T-G. GRCh37 (hg19) VCF-style: chr22-36681774-T-G.
Other names: short protein forms E1735A.
Identifiers: ClinVar variation 1198048 (VCV001198048.2), dbSNP rs2146328519, ClinGen allele CA411374007.

ClinVar aggregate classification (germline): Uncertain significance (1 of 4 stars; one submission).

Submission:

GeneDx
Classification: Uncertain significance. Last evaluated: 2019-04-16. Review status: criteria provided, single submitter. Criteria: GeneDx Variant Classification Process June 2021. Collection method: clinical testing. Allele origin: germline. Affected: yes.
Comment: Not observed in large population cohorts (Lek et al., 2016); In silico analysis, which includes protein predictors and evolutionary conservation, supports a deleterious effect; Has not been previously published as pathogenic or benign to our knowledge